The following is an entry in ClinVar:

NM_000059.4(BRCA2):c.3886A>G (p.Asn1296Asp)

Gene: BRCA2 (BRCA2 DNA repair associated; plus strand). Cytogenetic location: 13q13.1.
Variant type: single nucleotide variant.
Coding change: c.3886A>G on transcript NM_000059.4 (MANE Select); coding-DNA position 3886, A replaced by G.
Protein change: p.Asn1296Asp; replaces asparagine 1296 with aspartic acid.
Molecular consequence: missense variant.
Genome position (GRCh38, 1-based): chr13:32,338,241, A>G. VCF-style: chr13-32338241-A-G. GRCh37 (hg19) VCF-style: chr13-32912378-A-G.
Other names: short protein forms N1296D.
Identifiers: ClinVar variation 1059040 (VCV001059040.13), dbSNP rs1427687544, ClinGen allele CA387778755.

ClinVar aggregate classification (germline): Conflicting classifications of pathogenicity. Review status: criteria provided, conflicting classifications (1 of 4 stars). 3 submissions from 3 submitters: Uncertain significance (2); Likely benign (1). Last evaluated 2025-05-16.

Conditions:
Hereditary cancer-predisposing syndrome. Also called: Neoplastic Syndromes, Hereditary; Hereditary Cancer Syndrome; Hereditary neoplastic syndrome; Tumor predisposition. Identifiers: Orphanet 140162, MedGen C0027672, MeSH D009386, MONDO:0015356.
Hereditary breast ovarian cancer syndrome. Also called: Hereditary breast and/or ovarian cancer syndrome; Breast and ovarian cancer; BRCA1- and BRCA2-Associated Hereditary Breast and Ovarian Cancer; Hereditary breast and ovarian cancer syndrome; Hereditary breast and ovarian cancer syndrome (HBOC); Hereditary breast and ovarian cancer. Identifiers: Orphanet 145, MedGen C0677776, MeSH D061325, MONDO:0003582. Disease mechanism: loss of function.

Allele frequency attached by ClinVar (database versions not stated): gnomAD exomes below 0.00001 and 0.00001; TOPMed below 0.00001; gnomAD 0.00001.

Submissions (3):

Ambry Genetics
Classification: Uncertain significance for Hereditary cancer-predisposing syndrome. Last evaluated: 2025-05-16. Review status: criteria provided, single submitter. Criteria: Ambry Variant Classification Scheme 2023. Collection method: clinical testing. Allele origin: germline.
Comment: The p.N1296D variant (also known as c.3886A>G), located in coding exon 10 of the BRCA2 gene, results from an A to G substitution at nucleotide position 3886. The asparagine at codon 1296 is replaced by aspartic acid, an amino acid with highly similar properties. This amino acid position is not well conserved in available vertebrate species. In addition, this alteration is predicted to be tolerated by in silico analysis. Since supporting evidence is limited at this time, the clinical significance of this alteration remains unclear.

University of Washington Department of Laboratory Medicine, University of Washington
Classification: Likely benign for Hereditary cancer-predisposing syndrome. Last evaluated: 2023-03-23. Review status: criteria provided, single submitter. Criteria: Dines et al. (Genet Med. 2020). Collection method: curation. Allele origin: germline.
Comment: Missense variant in a coldspot region where missense variants are very unlikely to be pathogenic (PMID:31911673).

BRCA2 exon 11 coldspot. Reclassification based on statistical prior probability.

Labcorp Genetics (formerly Invitae), Labcorp
Classification: Uncertain significance for Hereditary breast ovarian cancer syndrome. Last evaluated: 2020-04-20. Review status: criteria provided, single submitter. Criteria: Invitae Variant Classification Sherloc (09022015). Collection method: clinical testing. Allele origin: germline.
Comment: In summary, the available evidence is currently insufficient to determine the role of this variant in disease. Therefore, it has been classified as a Variant of Uncertain Significance. Algorithms developed to predict the effect of missense changes on protein structure and function (SIFT, PolyPhen-2, Align-GVGD) all suggest that this variant is likely to be tolerated, but these predictions have not been confirmed by published functional studies and their clinical significance is uncertain. This variant has not been reported in the literature in individuals with BRCA2-related conditions. This variant is not present in population databases (ExAC no frequency). This sequence change replaces asparagine with aspartic acid at codon 1296 of the BRCA2 protein (p.Asn1296Asp). The asparagine residue is weakly conserved and there is a small physicochemical difference between asparagine and aspartic acid.